The following is an entry in ClinVar:

ClinVar aggregate classification (germline): Uncertain significance. Review status: reviewed by expert panel (3 of 4 stars). 6 submissions from 6 submitters: Uncertain significance (1). 5 of the submissions do not count toward it. Last evaluated 2025-11-11.

Conditions:
Cardiovascular phenotype. Identifiers: MedGen CN230736.
Cardiomyopathy (CMYO). Also called: Cardiomyopathies. Identifiers: Orphanet 167848, MedGen C0878544, MONDO:0004994, HP:0001638. Inheritance: Various modes of inheritance.
Hypertrophic cardiomyopathy. Also called: HYPERTROPHIC MYOCARDIOPATHY. Identifiers: Orphanet 217569, MedGen C0007194, MeSH D002312, MONDO:0005045, HP:0001639.

Allele frequency attached by ClinVar (database versions not stated): gnomAD 0.00002; ExAC 0.00002; TOPMed 0.00001; gnomAD exomes 0.00002.
gnomAD v4.1: 28 of 1,614,074 alleles (0.0017%); highest among the groups gnomAD compares: Non-Finnish European, 0.0021%; no homozygotes.

Submissions (6):

ClinGen Cardiomyopathy Variant Curation Expert Panel
Classification: Uncertain significance for Hypertrophic cardiomyopathy. Last evaluated: 2025-11-11. Review status: reviewed by expert panel. Criteria: ClinGen CMP ACMG Specifications v1. Collection method: curation. Allele origin: germline. Inheritance: Autosomal dominant inheritance.
Comment: The NM_000257.4(MYH7):c.29G>C (p.Gly10Ala) variant has been reported in the homozygous state in 1 infant with a complex cardiac presentation that included DCM and HCM (GeneDx pers. comm.) ; however, this data is insufficient to apply the PS4 criterion. This variant was identified in 0.002% (FAF 95% CI; 5/113546) of European chromosomes by gnomAD v2.1.1 (PM2). Computational prediction tools and conservation analysis do not provide strong support for or against an impact to the protein. In summary, due to insufficient evidence, this variant is classified as uncertain significance for cardiomyopathy in an autosomal dominant manner. MYH7-specific ACMG/AMP criteria applied (Kelly 2018 PMID:29300372): PM2.

Ambry Genetics
Classification: Uncertain significance for Cardiovascular phenotype. Last evaluated: 2026-07-02. Review status: criteria provided, single submitter. Criteria: Ambry Variant Classification Scheme 2023. Collection method: clinical testing. Allele origin: germline. Not counted in ClinVar's aggregate classification.
Comment: The p.G10A variant (also known as c.29G>C), located in coding exon 1 of the MYH7 gene, results from a G to C substitution at nucleotide position 29. The glycine at codon 10 is replaced by alanine, an amino acid with similar properties. This variant was reported in individual(s) with features consistent with hypertrophic cardiomyopathy (Ambry internal data). This amino acid position is highly conserved in available vertebrate species. In addition, the in silico prediction for this alteration is inconclusive. Based on the available evidence, the clinical significance of this variant remains unclear.

Color Diagnostics, LLC DBA Color Health
Classification: Uncertain significance for Cardiomyopathy. Last evaluated: 2025-08-20. Review status: criteria provided, single submitter. Criteria: ACMG Guidelines, 2015. Collection method: clinical testing. Allele origin: germline. Not counted in ClinVar's aggregate classification.
Comment: This missense variant replaces glycine with alanine at codon 10 of the MYH7 protein. Computational prediction suggests that this variant may have deleterious impact on protein structure and function. To our knowledge, functional studies have not been reported for this variant. This variant has been reported in an individual with abnormal cardiovascular phenotypes who participated in a screening study for age-related chronic disease risk among active, symptom-free adults (PMID: 29555771). This variant has been identified in 6/251230 chromosomes in the general population by the Genome Aggregation Database (gnomAD). The available evidence is insufficient to determine the role of this variant in disease conclusively. Therefore, this variant is classified as a Variant of Uncertain Significance.

Labcorp Genetics (formerly Invitae), Labcorp
Classification: Likely pathogenic for Hypertrophic cardiomyopathy. Last evaluated: 2024-10-15. Review status: criteria provided, single submitter. Criteria: Invitae Variant Classification Sherloc (09022015). Collection method: clinical testing. Allele origin: germline. Not counted in ClinVar's aggregate classification.
Comment: This sequence change replaces glycine, which is neutral and non-polar, with alanine, which is neutral and non-polar, at codon 10 of the MYH7 protein (p.Gly10Ala). This variant is present in population databases (rs730880826, gnomAD 0.004%). This missense change has been observed in individuals with hypertrophic cardiomyopathy (internal data). ClinVar contains an entry for this variant (Variation ID: 181293). Invitae Evidence Modeling of protein sequence and biophysical properties (such as structural, functional, and spatial information, amino acid conservation, physicochemical variation, residue mobility, and thermodynamic stability) indicates that this missense variant is expected to disrupt MYH7 protein function with a positive predictive value of 95%. In summary, the currently available evidence indicates that the variant is pathogenic, but additional data are needed to prove that conclusively. Therefore, this variant has been classified as Likely Pathogenic.

GeneDx
Classification: Uncertain significance. Last evaluated: 2024-07-24. Review status: criteria provided, single submitter. Criteria: GeneDx Variant Classification Process June 2021. Collection method: clinical testing. Allele origin: germline. Affected: yes. Not counted in ClinVar's aggregate classification.
Comment: In silico analysis supports that this missense variant has a deleterious effect on protein structure/function; Reported in association with cardiomyopathy in published literature (PMID: 29555771, 35653365, 31980526); This variant is associated with the following publications: (PMID: 31980526, 35653365, 29555771)

Blueprint Genetics
Classification: Uncertain significance. Last evaluated: 2018-04-18. Review status: criteria provided, single submitter. Criteria: ACMG Guidelines, 2015. Collection method: clinical testing. Allele origin: germline. Not counted in ClinVar's aggregate classification.

Literature cited by the submitters: PubMed 35653365 (cited by Ambry Genetics); PubMed 29555771 (cited by Color Diagnostics, LLC DBA Color Health).

NM_000257.4(MYH7):c.29G>C (p.Gly10Ala)

Gene: MYH7 (myosin heavy chain 7; minus strand). Cytogenetic location: 14q11.2.
Variant type: single nucleotide variant.
Coding change: c.29G>C on transcript NM_000257.4 (MANE Select); coding-DNA position 29, G replaced by C.
Protein change: p.Gly10Ala; replaces glycine 10 with alanine.
Molecular consequence: missense variant.
Genome position (GRCh38, 1-based): chr14:23,433,704, C>G on the plus strand (G>C on the coding strand, the complement: MYH7 is on the minus strand). VCF-style: chr14-23433704-C-G. GRCh37 (hg19) VCF-style: chr14-23902913-C-G.
Other names: p.G10A:GGG>GCG; NM_000257.4(MYH7):c.29G>C; p.Gly10Ala; c.29G>C (LRG_384t1); short protein forms G10A.
Identifiers: ClinVar variation 181293 (VCV000181293.21), dbSNP rs730880826, ClinGen allele CA013294.